The following is an entry in ClinVar:

ClinVar aggregate classification (germline): Uncertain significance. Review status: criteria provided, multiple submitters, no conflicts (2 of 4 stars). 3 submissions from 3 submitters: Uncertain significance (3). Last evaluated 2023-04-11.

Conditions:
Inborn genetic diseases. Identifiers: MedGen C0950123, MeSH D030342.
Developmental and epileptic encephalopathy, 18 (DEE18). Also called: Early infantile epileptic encephalopathy 18. Identifiers: Orphanet 369894, MedGen C3809624, MONDO:0014201, OMIM 615476.

Allele frequency attached by ClinVar (database versions not stated): gnomAD exomes below 0.00001; TOPMed below 0.00001; gnomAD 0.00001.
gnomAD v4.1: 3 of 1,614,110 alleles (0.00019%); highest among the groups gnomAD compares: Admixed American, 0.0033%; no homozygotes.

Submissions (3):

Genome-Nilou Lab
Classification: Uncertain significance for Developmental and epileptic encephalopathy, 18. Last evaluated: 2023-04-11. Review status: criteria provided, single submitter. Criteria: ACMG Guidelines, 2015. Collection method: clinical testing. Allele origin: germline. Affected: no.

Labcorp Genetics (formerly Invitae), Labcorp
Classification: Uncertain significance. Last evaluated: 2021-08-27. Review status: criteria provided, single submitter. Criteria: Invitae Variant Classification Sherloc (09022015). Collection method: clinical testing. Allele origin: germline.

Ambry Genetics
Classification: Uncertain significance for Inborn genetic diseases. Last evaluated: 2017-06-29. Review status: criteria provided, single submitter. Criteria: Ambry Variant Classification Scheme 2023. Collection method: clinical testing. Allele origin: germline.
Comment: The p.C2836Y variant (also known as c.8507G>A), located in coding exon 61 of the SZT2 gene, results from a G to A substitution at nucleotide position 8507. The cysteine at codon 2836 is replaced by tyrosine, an amino acid with highly dissimilar properties. This amino acid position is well conserved in available vertebrate species. In addition, the in silico prediction for this alteration is inconclusive. Since supporting evidence is limited at this time, the clinical significance of this alteration remains unclear.

NM_001365999.1(SZT2):c.8678G>A (p.Cys2893Tyr)

Gene: SZT2 (SZT2 subunit of KICSTOR complex; plus strand). Cytogenetic location: 1p34.2.
Variant type: single nucleotide variant.
Coding change: c.8678G>A on transcript NM_001365999.1 (MANE Select); coding-DNA position 8678, G replaced by A.
Protein change: p.Cys2893Tyr; replaces cysteine 2893 with tyrosine.
Molecular consequence: missense variant.
Genome position (GRCh38, 1-based): chr1:43,443,649, G>A. VCF-style: chr1-43443649-G-A. GRCh37 (hg19) VCF-style: chr1-43909320-G-A.
Other names: c.8507G>A, p.Cys2836Tyr (NM_015284.4); short protein forms C2836Y, C2893Y.
Identifiers: ClinVar variation 1026270 (VCV001026270.7), dbSNP rs1655337972, ClinGen allele CA340040056.